The following is an entry in ClinVar:

NM_022787.4(NMNAT1):c.37G>A (p.Ala13Thr)

Gene: NMNAT1 (nicotinamide nucleotide adenylyltransferase 1; plus strand). Cytogenetic location: 1p36.22.
Variant type: single nucleotide variant.
Coding change: c.37G>A on transcript NM_022787.4 (MANE Select); coding-DNA position 37, G replaced by A.
Protein change: p.Ala13Thr; replaces alanine 13 with threonine.
Molecular consequence: missense variant.
Genome position (GRCh38, 1-based): chr1:9,972,110, G>A. VCF-style: chr1-9972110-G-A. GRCh37 (hg19) VCF-style: chr1-10032168-G-A.
Other names: c.37G>A, p.Ala13Thr (NM_001297778.1, NM_001297779.2); short protein forms A13T.
Identifiers: ClinVar variation 195375 (VCV000195375.32), dbSNP rs138613460, ClinGen allele CA241796.

ClinVar aggregate classification (germline): Conflicting classifications of pathogenicity. Review status: criteria provided, conflicting classifications (1 of 4 stars). 13 submissions from 13 submitters: Pathogenic (2); Likely pathogenic (6); Uncertain significance (4). 1 of the submissions does not count toward it. Last evaluated 2026-08-12.

Conditions:
NMNAT1-related disorder. Also called: NMNAT1-related condition.
Retinal dystrophy. Also called: Inherited retinal dystrophy. Identifiers: Orphanet 71862, MedGen C0854723, MeSH D058499, MONDO:0019118, HP:0000556.
Leber congenital amaurosis 9 (LCA9). Also called: LCA9 Leber Congenital Amaurosis; LCA 9; Amaurosis congenita of Leber, type 9. Identifiers: Orphanet 65, MedGen C1837873, MONDO:0012056, OMIM 608553.

Allele frequency attached by ClinVar (database versions not stated): gnomAD exomes 0.00006 and 0.00016; ExAC 0.00021; gnomAD 0.00055 and 0.00057; TOPMed 0.00056; ESP Exome Variant Server 0.00100; 1000 Genomes Project 0.00120; 1000 Genomes Project 30x 0.00125.
gnomAD v4.1: 174 of 1,612,714 alleles (0.011%); highest among the groups gnomAD compares: African/African-American, 0.21%; no homozygotes.

Submissions (13):

GeneDx
Classification: Likely pathogenic. Last evaluated: 2026-08-12. Review status: criteria provided, single submitter. Criteria: GeneDx Variant Classification Process June 2021. Collection method: clinical testing. Allele origin: germline.
Comment: In a published functional study, this variant performed similar to wildtype, however additional studies are needed to validate the functional effect of this variant in vivo (PMID: 26018082); In silico analysis supports that this missense variant has a deleterious effect on protein structure/function; This variant is associated with the following publications: (PMID: 22842229, 22842227, 32641690, 32865313, 34041853, 22842230, 38219857, Tawfik2026[CaseReport], 26018082)

PreventionGenetics, part of Exact Sciences
Classification: Uncertain significance for NMNAT1-related condition. Last evaluated: 2026-07-07. Review status: criteria provided, single submitter. Criteria: ACMG Guidelines, 2015. Collection method: clinical testing. Allele origin: germline.
Comment: The NMNAT1 c.37G>A variant is predicted to result in the amino acid substitution p.Ala13Thr. This variant has been reported in the compound heterozygous state in an individual with retinitis pigmentosa (Figure S1, Perrault et al. 2012. PubMed ID: 22842229). This variant has also been previously reported along with a second missense variant in a patient with retinopathy (Tawfik and Ashraf Alhussaini. 2026. DOI: DOI 10.1016/j.ajoint.2026.100257). This variant has also been reported along with the NMNAT1 p.Val98Gly variant in several individuals with retinal disease (Falk et al. 2012. PubMed ID: 22842227; Koenekoop et al. 2012. PubMed ID: 22842230; Porto et al. 2017. PubMed ID: 29186038; Sallum et al. 2020. PubMed ID: 32865313; Table S1, Lin et al. 2024. PubMed ID: 38219857). Importantly, the gnomAD co-occurrence calculator predicts that the p.Ala13thr and p.Val98Gly variants are a part of different haplotypes, indicating that the previously mentioned individuals are likely compound heterozygous. Functional, expression, and localization studies suggested that this variant is similar to wild-type (Sasaki et al. 2015. PubMed ID: 26018082). This variant is present in 0.21% of alleles in individuals of African descent in gnomAD, indicating it is relatively common in this population. Although we suspect that this variant may be pathogenic, at this time, the clinical significance of this variant is uncertain due to the absence of conclusive functional and genetic evidence.

Dasa
Classification: Pathogenic. Last evaluated: 2026-01-15. Review status: criteria provided, single submitter. Criteria: DASA Assertion Criteria. Collection method: clinical testing. Allele origin: germline.
Comment: NM_022787.4(NMNAT1):c.37G>A (p.Ala13Thr) is a missense variant that results in the substitution of alanine with threonine. The affected residue or protein region has prior evidence supporting clinical relevance. This variant has been recurrently observed in individuals with NMNAT1-related disorders (PMID: 37127645; PMID: 35551639; PMID: 32865313; PMID: 29186038; PMID: 22842227). Functional evidence supports an impact on the gene or gene product. Also, this variant is rare in population databases. Computational evidence supports a deleterious effect. Based on the currently available evidence, this variant is classified as pathogenic.

Labcorp Genetics (formerly Invitae), Labcorp
Classification: Likely pathogenic for Leber congenital amaurosis 9. Last evaluated: 2026-01-08. Review status: criteria provided, single submitter. Criteria: Invitae Variant Classification Sherloc (09022015). Collection method: clinical testing. Allele origin: germline.
Comment: This sequence change replaces alanine, which is neutral and non-polar, with threonine, which is neutral and polar, at codon 13 of the NMNAT1 protein (p.Ala13Thr). This variant is present in population databases (rs138613460, gnomAD 0.2%). This missense change has been observed in individual(s) with inherited retinal dystrophy (PMID: 22842227, 22842229, 32865313; internal data). In at least one individual the data is consistent with being in trans (on the opposite chromosome) from a pathogenic variant. ClinVar contains an entry for this variant (Variation ID: 195375). Invitae Evidence Modeling of protein sequence and biophysical properties (such as structural, functional, and spatial information, amino acid conservation, physicochemical variation, residue mobility, and thermodynamic stability) indicates that this missense variant is expected to disrupt NMNAT1 protein function with a positive predictive value of 80%. Experimental studies have shown that this missense change does not substantially affect NMNAT1 function (PMID: 26018082). In summary, the currently available evidence indicates that the variant is pathogenic, but additional data are needed to prove that conclusively. Therefore, this variant has been classified as Likely Pathogenic.

Genomic Medicine Center of Excellence, King Faisal Specialist Hospital and Research Centre
Classification: Likely pathogenic for Leber congenital amaurosis 9. Last evaluated: 2025-09-10. Review status: criteria provided, single submitter. Criteria: ACMG Guidelines, 2015. Collection method: clinical testing. Allele origin: germline.

3billion
Classification: Likely pathogenic for Leber congenital amaurosis 9. Last evaluated: 2024-11-26. Review status: criteria provided, single submitter. Criteria: ACMG Guidelines, 2015. Collection method: clinical testing. Allele origin: germline. Affected: yes.
Comment: The variant is observed at an extremely low frequency in the gnomAD v4.1.0 dataset (total allele frequency: 0.011%). Predicted Consequence/Location: Missense variant In silico tool predictions suggest damaging effect of the variant on gene or gene product [REVEL: 0.87 (>=0.6, sensitivity 0.68 and specificity 0.92); 3Cnet: 0.98 (>=0.6, sensitivity 0.72 and precision 0.9)]. The same nucleotide change resulting in the same amino acid change has been previously reported as pathogenic/likely pathogenic with strong evidence (ClinVar ID: VCV000195375 /PMID: 22842229). A different missense change at the same codon (p.Ala13Asp) has been reported to be associated with NMNAT1 related disorder (ClinVar ID: VCV001376825). Therefore, this variant is classified as Likely pathogenic according to the recommendation of ACMG/AMP guideline.

Blueprint Genetics
Classification: Pathogenic for NMNAT1-related disorders. Last evaluated: 2024-02-12. Review status: criteria provided, single submitter. Criteria: ACMG Guidelines, 2015. Collection method: clinical testing. Allele origin: germline. Affected: yes. Observed: 5 variant alleles.

Mendelics
Classification: Likely pathogenic for Leber congenital amaurosis 9. Last evaluated: 2022-05-04. Review status: criteria provided, single submitter. Criteria: Mendelics Assertion Criteria 2019. Collection method: clinical testing. Allele origin: germline.

Greenwood Genetic Center Diagnostic Laboratories, Greenwood Genetic Center
Classification: Uncertain significance. Last evaluated: 2022-03-09. Review status: criteria provided, single submitter. Criteria: ACMG Guidelines, 2015. Collection method: clinical testing. Allele origin: germline. Affected: yes.
Comment: PM3, BS3, PP3

Laboratorio de Genetica e Diagnostico Molecular, Hospital Israelita Albert Einstein
Classification: Likely pathogenic for Leber congenital amaurosis 9. Last evaluated: 2021-05-10. Review status: criteria provided, single submitter. Criteria: ACMG Guidelines, 2015. Collection method: clinical testing. Allele origin: germline. Affected: yes.
Comment: ACMG classification criteria: PS4 supporting, PM3 strong, PP3 supporting

Institute of Human Genetics, Univ. Regensburg, Univ. Regensburg
Classification: Uncertain significance for Retinal dystrophy. Last evaluated: 2020-01-01. Review status: criteria provided, single submitter. Criteria: ACMG Guidelines, 2015. Collection method: clinical testing. Allele origin: germline. Affected: yes.

Eurofins Ntd Llc (ga)
Classification: Uncertain significance. Last evaluated: 2015-01-29. Review status: criteria provided, single submitter. Criteria: EGL Classification Definitions 2015. Collection method: clinical testing. Allele origin: germline. Observed: 3 variant alleles, 3 heterozygotes.

Laboratory of Genetics in Ophthalmology, Institut Imagine
Classification: Pathogenic for Leber congenital amaurosis 9. Review status: no assertion criteria provided. Collection method: research. Allele origin: inherited. Affected: yes. Observed: 4 variant alleles. Not counted in ClinVar's aggregate classification.

Literature cited by the submitters: PubMed 37127645 (cited by Dasa); PubMed 35551639 (cited by Dasa); PubMed 32865313 (cited by 3 submitters); PubMed 29186038 (cited by Dasa); PubMed 22842227 (cited by 5 submitters); PubMed 22842229 (cited by 6 submitters); PubMed 26018082 (cited by Labcorp Genetics (formerly Invitae), Labcorp and Institute of Human Genetics, Univ. Regensburg, Univ. Regensburg); PubMed 22842230 (cited by 3 submitters).